The following is an entry in ClinVar:

ClinVar aggregate classification (germline): Uncertain significance (1 of 4 stars; one submission).

Conditions:
Mitochondrial trifunctional protein deficiency. Identifiers: Orphanet 746, MedGen C1969443, MONDO:0012172.

Submission:

Labcorp Genetics (formerly Invitae), Labcorp
Classification: Uncertain significance for Mitochondrial trifunctional protein deficiency. Last evaluated: 2021-12-15. Review status: criteria provided, single submitter. Criteria: Invitae Variant Classification Sherloc (09022015). Collection method: clinical testing. Allele origin: germline.
Comment: In summary, the available evidence is currently insufficient to determine the role of this variant in disease. Therefore, it has been classified as a Variant of Uncertain Significance. Algorithms developed to predict the effect of missense changes on protein structure and function (SIFT, PolyPhen-2, Align-GVGD) all suggest that this variant is likely to be disruptive. This variant has not been reported in the literature in individuals affected with HADHB-related conditions. This variant is not present in population databases (gnomAD no frequency). This sequence change replaces aspartic acid, which is acidic and polar, with tyrosine, which is neutral and polar, at codon 396 of the HADHB protein (p.Asp396Tyr).

NM_000183.3(HADHB):c.1186G>T (p.Asp396Tyr)

Gene: HADHB (hydroxyacyl-CoA dehydrogenase trifunctional multienzyme complex subunit beta; plus strand). Cytogenetic location: 2p23.3.
Variant type: single nucleotide variant.
Coding change: c.1186G>T on transcript NM_000183.3 (MANE Select); coding-DNA position 1186, G replaced by T.
Protein change: p.Asp396Tyr; replaces aspartic acid 396 with tyrosine.
Molecular consequence: missense variant.
Genome position (GRCh38, 1-based): chr2:26,284,919, G>T. VCF-style: chr2-26284919-G-T. GRCh37 (hg19) VCF-style: chr2-26507787-G-T.
Other names: c.1141G>T, p.Asp381Tyr (NM_001281512.2); c.1120G>T, p.Asp374Tyr (NM_001281513.2); short protein forms D374Y, D381Y, D396Y.
Identifiers: ClinVar variation 1467360 (VCV001467360.6), dbSNP rs2147832336, ClinGen allele CA346096100.